The following is an entry in ClinVar:

ClinVar aggregate classification (germline): Pathogenic/Likely pathogenic. Review status: criteria provided, multiple submitters, no conflicts (2 of 4 stars). 2 submissions from 2 submitters: Pathogenic (1); Likely pathogenic (1). Last evaluated 2022-07-21.

Conditions:
Neuronal ceroid lipofuscinosis. Also called: Neuronal Ceroid Lipofuscinoses. Identifiers: Orphanet 216, Orphanet 79263, MedGen C0027877, MONDO:0016295. Disease mechanism: loss of function.

Allele frequency attached by ClinVar (database versions not stated): gnomAD exomes below 0.00001.
gnomAD v4.1: 1 of 1,613,270 alleles (0.000062%); highest among the groups gnomAD compares: Non-Finnish European, 0.000085%; no homozygotes.

Submissions (2):

Labcorp Genetics (formerly Invitae), Labcorp
Classification: Likely pathogenic for Neuronal ceroid lipofuscinosis. Last evaluated: 2022-07-21. Review status: criteria provided, single submitter. Criteria: Invitae Variant Classification Sherloc (09022015). Collection method: clinical testing. Allele origin: germline.
Comment: In summary, the currently available evidence indicates that the variant is pathogenic, but additional data are needed to prove that conclusively. Therefore, this variant has been classified as Likely Pathogenic. This sequence change affects a donor splice site in intron 7 of the CLN3 gene. It is expected to disrupt RNA splicing. Variants that disrupt the donor or acceptor splice site typically lead to a loss of protein function (PMID: 16199547), and loss-of-function variants in CLN3 are known to be pathogenic (PMID: 9311735, 28542676). This variant is present in population databases (no rsID available, gnomAD 0.0009%). This variant has not been reported in the literature in individuals affected with CLN3-related conditions. ClinVar contains an entry for this variant (Variation ID: 1012399). Algorithms developed to predict the effect of sequence changes on RNA splicing suggest that this variant may disrupt the consensus splice site.

CeGaT Center for Human Genetics Tuebingen
Classification: Pathogenic. Last evaluated: 2020-11-01. Review status: criteria provided, single submitter. Criteria: CeGaT Center For Human Genetics Tuebingen Variant Classification Criteria Version 2. Collection method: clinical testing. Allele origin: germline. Affected: yes. Observed: 1 variant allele.

Literature cited by the submitters: PubMed 16199547 (cited by Labcorp Genetics (formerly Invitae), Labcorp); PubMed 9311735 (cited by Labcorp Genetics (formerly Invitae), Labcorp); PubMed 28542676 (cited by Labcorp Genetics (formerly Invitae), Labcorp).

NM_001042432.2(CLN3):c.460+1G>A

Gene: CLN3 (CLN3 lysosomal/endosomal transmembrane protein, battenin; minus strand). Cytogenetic location: 16p12.1.
Variant type: single nucleotide variant.
Coding change: c.460+1G>A on transcript NM_001042432.2 (MANE Select); the canonical splice donor site of the intron after coding-DNA position 460, G replaced by A.
Molecular consequence: splice donor variant.
Genome position (GRCh38, 1-based): chr16:28,487,455, C>T on the plus strand (G>A on the coding strand, the complement: CLN3 is on the minus strand). VCF-style: chr16-28487455-C-T. GRCh37 (hg19) VCF-style: chr16-28498776-C-T.
Other names: c.226+1G>A (NM_001286109.2); c.388+1G>A (NM_001286104.2); c.160+1G>A (NM_001286105.2); c.298+1G>A (NM_001286110.2); c.460+1G>A (NM_000086.2).
Identifiers: ClinVar variation 1012399 (VCV001012399.42), dbSNP rs1397086223, ClinGen allele CA395345763.